The following is an entry in ClinVar:

NM_001039141.3(TRIOBP):c.254+4G>A

Gene: TRIOBP (TRIO and F-actin binding protein; plus strand). Cytogenetic location: 22q13.1.
Variant type: single nucleotide variant.
Coding change: c.254+4G>A on transcript NM_001039141.3 (MANE Select); 4 bases into the intron after coding-DNA position 254, G replaced by A.
Molecular consequence: intron variant.
Genome position (GRCh38, 1-based): chr22:37,710,570, G>A. VCF-style: chr22-37710570-G-A. GRCh37 (hg19) VCF-style: chr22-38106577-G-A.
Identifiers: ClinVar variation 1698042 (VCV001698042.2), dbSNP rs1923184854, ClinGen allele CA2404473179.

ClinVar aggregate classification (germline): Uncertain significance (1 of 4 stars; one submission).

Allele frequency attached by ClinVar (database versions not stated): TOPMed below 0.00001.

Submission:

GeneDx
Classification: Uncertain significance. Last evaluated: 2022-01-19. Review status: criteria provided, single submitter. Criteria: GeneDx Variant Classification Process June 2021. Collection method: clinical testing. Allele origin: germline. Affected: yes.
Comment: Not observed at significant frequency in large population cohorts (gnomAD); In silico analysis supports that this variant does not alter splicing; Has not been previously published as pathogenic or benign to our knowledge